The following is an entry in ClinVar:

NM_001376.5(DYNC1H1):c.3911T>A (p.Leu1304Gln)

Gene: DYNC1H1 (dynein cytoplasmic 1 heavy chain 1; plus strand). Cytogenetic location: 14q32.31.
Variant type: single nucleotide variant.
Coding change: c.3911T>A on transcript NM_001376.5 (MANE Select); coding-DNA position 3911, T replaced by A.
Protein change: p.Leu1304Gln; replaces leucine 1304 with glutamine.
Molecular consequence: missense variant.
Genome position (GRCh38, 1-based): chr14:102,000,095, T>A. VCF-style: chr14-102000095-T-A. GRCh37 (hg19) VCF-style: chr14-102466432-T-A.
Other names: short protein forms L1304Q.
Identifiers: ClinVar variation 3767427 (VCV003767427.1).

ClinVar aggregate classification (germline): Uncertain significance (1 of 4 stars; one submission).

Submission:

GeneDx
Classification: Uncertain significance. Last evaluated: 2024-09-05. Review status: criteria provided, single submitter. Criteria: GeneDx Variant Classification Process June 2021. Collection method: clinical testing. Allele origin: germline. Affected: yes.
Comment: Not observed at significant frequency in large population cohorts (gnomAD); In silico analysis supports that this missense variant has a deleterious effect on protein structure/function; Has not been previously published as pathogenic or benign to our knowledge; This variant is associated with the following publications: (PMID: 25512093, 25609763, 26100331)